The following is an entry in ClinVar:

ClinVar aggregate classification (germline): Uncertain significance (1 of 4 stars; one submission).

gnomAD v4.1: 17 of 1,597,982 alleles (0.0011%); highest among the groups gnomAD compares: Non-Finnish European, 0.0013%; no homozygotes.

Submission:

Ambry Genetics
Classification: Uncertain significance. Last evaluated: 2024-11-24. Review status: criteria provided, single submitter. Criteria: Ambry Variant Classification Scheme 2023. Collection method: clinical testing. Allele origin: germline.
Comment: The p.P1117R variant (also known as c.3350C>G), located in coding exon 12 of the WNK2 gene, results from a C to G substitution at nucleotide position 3350. The proline at codon 1117 is replaced by arginine, an amino acid with dissimilar properties. This amino acid position is conserved. In addition, this alteration is predicted to be tolerated by in silico analysis. Based on the available evidence, the clinical significance of this variant remains unclear.

NM_006648.4(WNK2):c.3350C>G (p.Pro1117Arg)

Gene: WNK2 (WNK lysine deficient protein kinase 2; plus strand). Cytogenetic location: 9q22.31.
Variant type: single nucleotide variant.
Coding change: c.3350C>G on transcript NM_006648.4 (MANE Select); coding-DNA position 3350, C replaced by G.
Protein change: p.Pro1117Arg; replaces proline 1117 with arginine.
Molecular consequence: missense variant.
Genome position (GRCh38, 1-based): chr9:93,262,097, C>G. VCF-style: chr9-93262097-C-G. GRCh37 (hg19) VCF-style: chr9-96024379-C-G.
Other names: c.3350C>G, p.Pro1117Arg (NM_001282394.3); short protein forms P1117R.
Identifiers: ClinVar variation 3470384 (VCV003470384.1).